The following is an entry in ClinVar:

ClinVar aggregate classification (germline): Uncertain significance (1 of 4 stars; one submission).

Submission:

GeneDx
Classification: Uncertain significance. Last evaluated: 2025-05-29. Review status: criteria provided, single submitter. Criteria: GeneDx Variant Classification Process June 2021. Collection method: clinical testing. Allele origin: germline. Affected: yes.
Comment: Not observed at significant frequency in large population cohorts (gnomAD); In silico analysis supports that this missense variant has a deleterious effect on protein structure/function; Has not been previously published as pathogenic or benign to our knowledge

NM_001375524.1(TRRAP):c.1762A>T (p.Ile588Phe)

Gene: TRRAP (transformation/transcription domain associated protein; plus strand). Cytogenetic location: 7q22.1.
Variant type: single nucleotide variant.
Coding change: c.1762A>T on transcript NM_001375524.1 (MANE Select); coding-DNA position 1762, A replaced by T.
Protein change: p.Ile588Phe; replaces isoleucine 588 with phenylalanine.
Molecular consequence: missense variant.
Genome position (GRCh38, 1-based): chr7:98,910,557, A>T. VCF-style: chr7-98910557-A-T. GRCh37 (hg19) VCF-style: chr7-98508180-A-T.
Other names: c.1762A>T, p.Ile588Phe (NM_001244580.2, NM_003496.4); short protein forms I588F.
Identifiers: ClinVar variation 4532592 (VCV004532592.1).
Genomic context (GRCh38, chr7:98,910,557, plus strand): 5'-TTCTCTTTTCCAGAAGCTCAGTTCATTCCCAACAAGCAGTTACAACCCAAAGAGACACAG[A>T]TTTACATCAAACTTGTGAAATATGCAATGCAAGCTTTAGATATTTATCAGGTAAGGAAGT-3'
Protein context (NP_001362453.1, residues 578-598): NKQLQPKETQ[Ile588Phe]YIKLVKYAMQ